The following is an entry in ClinVar:

ClinVar aggregate classification (germline): Uncertain significance (1 of 4 stars; one submission).

Submission:

GeneDx
Classification: Uncertain significance. Last evaluated: 2025-10-06. Review status: criteria provided, single submitter. Criteria: GeneDx Variant Classification Process June 2021. Collection method: clinical testing. Allele origin: germline.
Comment: Frameshift variant predicted to result in protein truncation or nonsense mediated decay in a region of a gene for which loss of function is not a well-established mechanism of disease; Not observed at significant frequency in large population cohorts (gnomAD); Has not been previously published as pathogenic or benign to our knowledge

NM_001267550.2(TTN):c.1609_1615del (p.Thr537fs)

Gene: TTN (titin; minus strand). Cytogenetic location: 2q31.2.
Variant type: Deletion.
Coding change: c.1609_1615del on transcript NM_001267550.2 (MANE Select); coding-DNA positions 1609 to 1615, 7 bases deleted (ACTAGAA; older notation c.1609_1615delACTAGAA).
Protein change: p.Thr537fs; shifts the reading frame from threonine 537.
Molecular consequence: frameshift variant.
Genome position (GRCh38, 1-based): chr2:178,792,119-178,792,125, TTCTAGT deleted on the plus strand (ACTAGAA on the coding strand, the reverse complement: TTN is on the minus strand); deleting any 7 consecutive bases within chr2:178,792,119-178,792,129 gives the same sequence; the c. name uses the placement nearest the transcript's 3' end. VCF-style (leftmost placement, unchanged base first): chr2-178792118-ATTCTAGT-A. GRCh37 (hg19) VCF-style: chr2-179656845-ATTCTAGT-A.
Other names: c.1609_1615del, p.Thr537fs (NM_133379.5, NM_133432.3, NM_133437.4 and 3 more transcripts); c.1605_1611delAGAAACT, p.Thr537Phefs (NM_001267550.1); short protein forms T537fs.
Identifiers: ClinVar variation 4087823 (VCV004087823.2).